The following is an entry in ClinVar:

NM_033641.4(COL4A6):c.409C>T (p.Pro137Ser)

Gene: COL4A6 (collagen type IV alpha 6 chain; minus strand). Cytogenetic location: Xq22.3.
Variant type: single nucleotide variant.
Coding change: c.409C>T on transcript NM_033641.4 (MANE Select); coding-DNA position 409, C replaced by T.
Protein change: p.Pro137Ser; replaces proline 137 with serine.
Molecular consequence: missense variant.
Genome position (GRCh38, 1-based): chrX:108,214,144, G>A on the plus strand (C>T on the coding strand, the complement: COL4A6 is on the minus strand). VCF-style: chrX-108214144-G-A. GRCh37 (hg19) VCF-style: chrX-107457374-G-A.
Other names: c.409C>T, p.Pro137Ser (NM_001287758.2, NM_001287759.2, NM_001287760.2); c.412C>T, p.Pro138Ser (NM_001847.4); short protein forms P138S, P137S.
Identifiers: ClinVar variation 2718018 (VCV002718018.3), dbSNP rs2522378928, ClinGen allele CA413903791.

ClinVar aggregate classification (germline): Uncertain significance (1 of 4 stars; one submission).

Submission:

Labcorp Genetics (formerly Invitae), Labcorp
Classification: Uncertain significance. Last evaluated: 2023-06-19. Review status: criteria provided, single submitter. Criteria: Invitae Variant Classification Sherloc (09022015). Collection method: clinical testing. Allele origin: germline.
Comment: This sequence change replaces proline, which is neutral and non-polar, with serine, which is neutral and polar, at codon 138 of the COL4A6 protein (p.Pro138Ser). This variant is not present in population databases (gnomAD no frequency). This variant has not been reported in the literature in individuals affected with COL4A6-related conditions. Advanced modeling of protein sequence and biophysical properties (such as structural, functional, and spatial information, amino acid conservation, physicochemical variation, residue mobility, and thermodynamic stability) performed at Invitae indicates that this missense variant is not expected to disrupt COL4A6 protein function. In summary, the available evidence is currently insufficient to determine the role of this variant in disease. Therefore, it has been classified as a Variant of Uncertain Significance.